The following is an entry in ClinVar:

NM_001371928.1(AHDC1):c.3010A>C (p.Ser1004Arg)

Gene: AHDC1 (AT-hook DNA binding motif containing 1; minus strand). Cytogenetic location: 1p36.11.
Variant type: single nucleotide variant.
Coding change: c.3010A>C on transcript NM_001371928.1 (MANE Select); coding-DNA position 3010, A replaced by C.
Protein change: p.Ser1004Arg; replaces serine 1004 with arginine.
Molecular consequence: missense variant.
Genome position (GRCh38, 1-based): chr1:27,549,106, T>G on the plus strand (A>C on the coding strand, the complement: AHDC1 is on the minus strand). VCF-style: chr1-27549106-T-G. GRCh37 (hg19) VCF-style: chr1-27875617-T-G.
Other names: c.3010A>C, p.Ser1004Arg (NM_001029882.3); short protein forms S1004R.
Identifiers: ClinVar variation 3653993 (VCV003653993.2).

ClinVar aggregate classification (germline): Uncertain significance (1 of 4 stars; one submission).

Submission:

Labcorp Genetics (formerly Invitae), Labcorp
Classification: Uncertain significance. Last evaluated: 2024-11-16. Review status: criteria provided, single submitter. Criteria: Invitae Variant Classification Sherloc (09022015). Collection method: clinical testing. Allele origin: germline.
Comment: This sequence change replaces serine, which is neutral and polar, with arginine, which is basic and polar, at codon 1004 of the AHDC1 protein (p.Ser1004Arg). This variant is not present in population databases (gnomAD no frequency). This variant has not been reported in the literature in individuals affected with AHDC1-related conditions. An algorithm developed to predict the effect of missense changes on protein structure and function (PolyPhen-2) suggests that this variant is likely to be disruptive. In summary, the available evidence is currently insufficient to determine the role of this variant in disease. Therefore, it has been classified as a Variant of Uncertain Significance.